The following is an entry in ClinVar:

ClinVar aggregate classification (germline): Pathogenic. Review status: criteria provided, multiple submitters, no conflicts (2 of 4 stars). 3 submissions from 3 submitters: Pathogenic (2). 1 of the submissions does not count toward it. Last evaluated 2023-11-05.

Conditions:
Tumoral calcinosis, hyperphosphatemic, familial, 1. Also called: LIPOCALCINOGRANULOMATOSIS; MORBUS TEUTSCHLAENDER; CORTICAL HYPEROSTOSIS WITH HYPERPHOSPHATEMIA; CALCINOSIS, TUMORAL, WITH HYPERPHOSPHATEMIA; HYPEROSTOSIS WITH HYPERPHOSPHATEMIA; HYPEROSTOSIS-HYPERPHOSPHATEMIA SYNDROME. Identifiers: Orphanet 53715, MedGen C4692564, MONDO:0100252, OMIM 211900.

gnomAD v4.1: 1 of 1,606,372 alleles (0.000062%); highest among the groups gnomAD compares: Non-Finnish European, 0.000085%; no homozygotes.

Submissions (3):

Labcorp Genetics (formerly Invitae), Labcorp
Classification: Pathogenic. Last evaluated: 2023-11-05. Review status: criteria provided, single submitter. Criteria: Invitae Variant Classification Sherloc (09022015). Collection method: clinical testing. Allele origin: germline.
Comment: This sequence change affects a donor splice site in intron 9 of the GALNT3 gene. RNA analysis indicates that disruption of this splice site induces altered splicing and may result in an absent or disrupted protein product. This variant is not present in population databases (gnomAD no frequency). Disruption of this splice site has been observed in individual(s) with GALNT3-related conditions (PMID: 17311862). In at least one individual the data is consistent with being in trans (on the opposite chromosome) from a pathogenic variant. ClinVar contains an entry for this variant (Variation ID: 7801). Studies have shown that disruption of this splice site results in activation of a cryptic splice site and introduces a premature termination codon (PMID: 17311862). The resulting mRNA is expected to undergo nonsense-mediated decay. For these reasons, this variant has been classified as Pathogenic.

Fulgent Genetics
Classification: Pathogenic for Tumoral calcinosis, hyperphosphatemic, familial, 1. Last evaluated: 2021-09-01. Review status: criteria provided, single submitter. Criteria: ACMG Guidelines, 2015. Collection method: clinical testing. Allele origin: unknown.

OMIM
Classification: Pathogenic for TUMORAL CALCINOSIS, HYPERPHOSPHATEMIC, FAMILIAL, 1. Last evaluated: 2007-05-01. Review status: no assertion criteria provided. Collection method: literature only. Allele origin: germline. Not counted in ClinVar's aggregate classification.

Literature cited by the submitters: PubMed 17311862 (cited by Labcorp Genetics (formerly Invitae), Labcorp and OMIM).

NM_004482.4(GALNT3):c.1626+1G>A

Gene: GALNT3 (polypeptide N-acetylgalactosaminyltransferase 3; minus strand). Cytogenetic location: 2q24.3.
Variant type: single nucleotide variant.
Coding change: c.1626+1G>A on transcript NM_004482.4 (MANE Select); the canonical splice donor site of the intron after coding-DNA position 1626, G replaced by A.
Molecular consequence: splice donor variant.
Genome position (GRCh38, 1-based): chr2:165,754,626, C>T on the plus strand (G>A on the coding strand, the complement: GALNT3 is on the minus strand). VCF-style: chr2-165754626-C-T. GRCh37 (hg19) VCF-style: chr2-166611136-C-T.
Other names: IVS8DS, G-A, +1.
Identifiers: ClinVar variation 7801 (VCV000007801.5), dbSNP rs760830864, ClinGen allele CA212883.